The following is an entry in ClinVar:

NM_001164508.2(NEB):c.10955G>A (p.Arg3652Lys)

Gene: NEB (nebulin; minus strand). Cytogenetic location: 2q23.3.
Variant type: single nucleotide variant.
Coding change: c.10955G>A on transcript NM_001164508.2 (MANE Select); coding-DNA position 10955, G replaced by A.
Protein change: p.Arg3652Lys; replaces arginine 3652 with lysine.
Molecular consequence: missense variant.
Genome position (GRCh38, 1-based): chr2:151,618,396, C>T on the plus strand (G>A on the coding strand, the complement: NEB is on the minus strand). VCF-style: chr2-151618396-C-T. GRCh37 (hg19) VCF-style: chr2-152474910-C-T.
Other names: c.10955G>A, p.Arg3652Lys (NM_001164507.2, NM_001271208.2); c.10226G>A, p.Arg3409Lys (NM_004543.5); c.10226G>A (NM_004543.4); short protein forms R3652K, R3409K.
Identifiers: ClinVar variation 465433 (VCV000465433.13), dbSNP rs1553908653, ClinGen allele CA348786295.

ClinVar aggregate classification (germline): Uncertain significance. Review status: criteria provided, multiple submitters, no conflicts (2 of 4 stars). 3 submissions from 3 submitters: Uncertain significance (2). 1 of the submissions does not count toward it. Last evaluated 2025-10-06.

Conditions:
Nemaline myopathy 2 (NEM2). Also called: Nemaline myopathy 2, autosomal recessive. Identifiers: MedGen C1850569, MONDO:0009725, OMIM 256030.
Inborn genetic diseases. Identifiers: MedGen C0950123, MeSH D030342.

gnomAD v4.1: 1 of 1,613,960 alleles (0.000062%); highest among the groups gnomAD compares: Middle Eastern, 0.016%; no homozygotes.

Submissions (3):

Ambry Genetics
Classification: Uncertain significance for Inborn genetic diseases. Last evaluated: 2025-10-06. Review status: criteria provided, single submitter. Criteria: Ambry Variant Classification Scheme 2023. Collection method: clinical testing. Allele origin: germline.

Labcorp Genetics (formerly Invitae), Labcorp
Classification: Uncertain significance for Nemaline myopathy 2. Last evaluated: 2021-09-02. Review status: criteria provided, single submitter. Criteria: Invitae Variant Classification Sherloc (09022015). Collection method: clinical testing. Allele origin: germline.
Comment: This sequence change replaces arginine with lysine at codon 3652 of the NEB protein (p.Arg3652Lys). The arginine residue is moderately conserved and there is a small physicochemical difference between arginine and lysine. This variant is not present in population databases (ExAC no frequency). This variant has not been reported in the literature in individuals affected with NEB-related conditions. ClinVar contains an entry for this variant (Variation ID: 465433). Algorithms developed to predict the effect of missense changes on protein structure and function (SIFT, PolyPhen-2, Align-GVGD) all suggest that this variant is likely to be tolerated. In summary, the available evidence is currently insufficient to determine the role of this variant in disease. Therefore, it has been classified as a Variant of Uncertain Significance.

Natera, Inc.
Classification: Uncertain significance for Nemaline myopathy type 2. Last evaluated: 2020-10-06. Review status: no assertion criteria provided. Collection method: clinical testing. Allele origin: germline. Not counted in ClinVar's aggregate classification.